The following is an entry in ClinVar:

NM_002161.6(IARS1):c.3554-3C>T

Gene: IARS1 (isoleucyl-tRNA synthetase 1; minus strand). Cytogenetic location: 9q22.31.
Variant type: single nucleotide variant.
Coding change: c.3554-3C>T on transcript NM_002161.6 (MANE Select); 3 bases into the intron before coding-DNA position 3554, C replaced by T.
Molecular consequence: intron variant.
Genome position (GRCh38, 1-based): chr9:92,222,675, G>A on the plus strand (C>T on the coding strand, the complement: IARS1 is on the minus strand). VCF-style: chr9-92222675-G-A. GRCh37 (hg19) VCF-style: chr9-94984957-G-A.
Other names: c.3554-3C>T (NM_001378573.1, NM_001378574.1, NM_001378576.1 and 2 more transcripts); c.3431-3C>T (NM_001378583.1); c.3470-3C>T (NM_001374301.1); c.3458-3C>T (NM_001378582.1); c.3419-3C>T (NM_001378584.1); c.3479-3C>T (NM_001374299.1, NM_001374300.1); c.3512-3C>T (NM_001378577.1); c.3410-3C>T (NM_001378585.1); and 4 more.
Identifiers: ClinVar variation 1926420 (VCV001926420.5), dbSNP rs781351325, ClinGen allele CA5121815.

ClinVar aggregate classification (germline): Uncertain significance (1 of 4 stars; one submission).

Allele frequency attached by ClinVar (database versions not stated): gnomAD exomes below 0.00001; ExAC 0.00001.
gnomAD v4.1: 3 of 1,613,620 alleles (0.00019%); highest among the groups gnomAD compares: Admixed American, 0.0033%; no homozygotes.

Submission:

Labcorp Genetics (formerly Invitae), Labcorp
Classification: Uncertain significance. Last evaluated: 2022-07-20. Review status: criteria provided, single submitter. Criteria: Invitae Variant Classification Sherloc (09022015). Collection method: clinical testing. Allele origin: germline.
Comment: In summary, the available evidence is currently insufficient to determine the role of this variant in disease. Therefore, it has been classified as a Variant of Uncertain Significance. Variants that disrupt the consensus splice site are a relatively common cause of aberrant splicing (PMID: 17576681, 9536098). Algorithms developed to predict the effect of sequence changes on RNA splicing suggest that this variant is not likely to affect RNA splicing. This variant has not been reported in the literature in individuals affected with IARS-related conditions. This variant is present in population databases (rs781351325, gnomAD 0.006%). This sequence change falls in intron 32 of the IARS gene. It does not directly change the encoded amino acid sequence of the IARS protein. It affects a nucleotide within the consensus splice site.

Literature cited by the submitters: PubMed 17576681; PubMed 9536098.